The following is an entry in ClinVar:

ClinVar aggregate classification (germline): Pathogenic (1 of 4 stars; one submission).

Conditions:
Deafness-lymphedema-leukemia syndrome. Also called: Emberger syndrome; Lymphedema, primary, with myelodysplasia. Identifiers: Orphanet 3226, MedGen C3279664, MONDO:0013540, OMIM 614038.
GATA2 deficiency with susceptibility to MDS/AML. Identifiers: MedGen CN300066, MONDO:0042982.

Submission:

Molecular Pathology Research Laboratory, SA Pathology
Classification: Pathogenic for GATA2 deficiency with susceptibility to MDS/AML; Deafness-lymphedema-leukemia syndrome. Last evaluated: 2021-07-06. Review status: criteria provided, single submitter. Criteria: ACMG Guidelines, 2015. Collection method: curation. Allele origin: unknown. Inheritance: Autosomal dominant inheritance. Affected: yes. Observed: 1 variant allele.
Comment: PVS1, PS4_Supporting, PM2

Literature cited by the submitters: PubMed 22147895.

Single allele

Genes: ATP2C1 (ATPase secretory pathway Ca2+ transporting 1; plus strand), IL20RB (interleukin 20 receptor subunit beta; plus strand), PCCB (propionyl-CoA carboxylase subunit beta; plus strand), PIK3R4 (phosphoinositide-3-kinase regulatory subunit 4; minus strand), SLC35G2 (solute carrier family 35 member G2; plus strand) and 58 more. Cytogenetic location: 3q21.3-22.3.
Variant type: Deletion.
Identifiers: ClinVar variation 1183990 (VCV001183990.1).